The following is an entry in ClinVar:

ClinVar aggregate classification (germline): Pathogenic (1 of 4 stars; one submission).

Conditions:
Familial adenomatous polyposis 4 (FAP4). Also called: MSH3-related attenuated familial adenomatous polyposis. Identifiers: Orphanet 480536, MedGen C4310719, MONDO:0044300, OMIM 617100.

Submission:

Myriad Genetics, Inc.
Classification: Pathogenic for Familial adenomatous polyposis 4. Last evaluated: 2023-08-30. Review status: criteria provided, single submitter. Criteria: Myriad Autosomal Dominant, Autosomal Recessive and X-Linked Classification Criteria (2023). Collection method: clinical testing. Allele origin: unknown.
Comment: This variant is considered pathogenic. This variant creates a termination codon and is predicted to result in premature protein truncation.

NM_002439.5(MSH3):c.1645C>T (p.Gln549Ter)

Gene: MSH3 (mutS homolog 3; plus strand). Cytogenetic location: 5q14.1.
Variant type: single nucleotide variant.
Coding change: c.1645C>T on transcript NM_002439.5 (MANE Select); coding-DNA position 1645, C replaced by T.
Protein change: p.Gln549Ter; replaces glutamine 549 with a stop codon.
Molecular consequence: nonsense.
Genome position (GRCh38, 1-based): chr5:80,741,540, C>T. VCF-style: chr5-80741540-C-T. GRCh37 (hg19) VCF-style: chr5-80037359-C-T.
Other names: short protein forms Q549*.
Identifiers: ClinVar variation 2673519 (VCV002673519.1), dbSNP rs2546760498, ClinGen allele CA360274583.
Genomic context (GRCh38, chr5:80,741,540, plus strand): 5'-TCAAGTAAAATGGAATTTATGACAATTAATGGAACAACATTAAGGAATCTGGAAATCCTA[C>T]AGAATCAGGTCAGGCAAATACAAGGGCTAGTTGATTATAAATCGTTTTGGGAAAAACTTC-3'